The following is an entry in ClinVar:

NM_001042492.3(NF1):c.5221C>G (p.His1741Asp)

Gene: NF1 (neurofibromin 1; plus strand). Cytogenetic location: 17q11.2.
Variant type: single nucleotide variant.
Coding change: c.5221C>G on transcript NM_001042492.3 (MANE Select); coding-DNA position 5221, C replaced by G.
Protein change: p.His1741Asp; replaces histidine 1741 with aspartic acid.
Molecular consequence: missense variant.
Genome position (GRCh38, 1-based): chr17:31,326,205, C>G. VCF-style: chr17-31326205-C-G. GRCh37 (hg19) VCF-style: chr17-29653223-C-G.
Other names: c.5158C>G, p.His1720Asp (NM_000267.4); short protein forms H1741D, H1720D.
Identifiers: ClinVar variation 2013462 (VCV002013462.4), dbSNP rs780529277, ClinGen allele CA399008198.

ClinVar aggregate classification (germline): Uncertain significance (1 of 4 stars; one submission).

Conditions:
Neurofibromatosis, type 1 (NF1). Also called: Neurofibromatosis, type I; Peripheral type neurofibromatosis; VON RECKLINGHAUSEN DISEASE; NEUROFIBROMATOSIS, TYPE I, SOMATIC. Identifiers: Orphanet 636, MedGen C0027831, MONDO:0018975, OMIM 162200. Disease mechanism: loss of function.

Allele frequency attached by ClinVar (database versions not stated): TOPMed below 0.00001.

Submission:

Labcorp Genetics (formerly Invitae), Labcorp
Classification: Uncertain significance for Neurofibromatosis, type 1. Last evaluated: 2023-07-28. Review status: criteria provided, single submitter. Criteria: Invitae Variant Classification Sherloc (09022015). Collection method: clinical testing. Allele origin: germline.
Comment: In summary, the available evidence is currently insufficient to determine the role of this variant in disease. Therefore, it has been classified as a Variant of Uncertain Significance. Advanced modeling of protein sequence and biophysical properties (such as structural, functional, and spatial information, amino acid conservation, physicochemical variation, residue mobility, and thermodynamic stability) performed at Invitae indicates that this missense variant is not expected to disrupt NF1 protein function. ClinVar contains an entry for this variant (Variation ID: 2013462). This variant has not been reported in the literature in individuals affected with NF1-related conditions. This variant is not present in population databases (gnomAD no frequency). This sequence change replaces histidine, which is basic and polar, with aspartic acid, which is acidic and polar, at codon 1720 of the NF1 protein (p.His1720Asp).